The following is an entry in ClinVar:

NM_000548.5(TSC2):c.3610+214C>T

Gene: TSC2 (TSC complex subunit 2; plus strand). Cytogenetic location: 16p13.3.
Variant type: single nucleotide variant.
Coding change: c.3610+214C>T on transcript NM_000548.5 (MANE Select); 214 bases into the intron after coding-DNA position 3610, C replaced by T.
Molecular consequence: intron variant.
Genome position (GRCh38, 1-based): chr16:2,080,591, C>T. VCF-style: chr16-2080591-C-T. GRCh37 (hg19) VCF-style: chr16-2130592-C-T.
Other names: c.3610+214C>T (NM_001114382.3); c.3481+214C>T (NM_021055.3, NM_001370405.1, NM_001363528.2); c.3478+214C>T (NM_001370404.1, NM_001077183.3); c.3370+214C>T (NM_001318827.2); c.2878+214C>T (NM_001318831.2); c.3334+214C>T (NM_001318829.2); c.3511+214C>T (NM_001318832.2).
Identifiers: ClinVar variation 678379 (VCV000678379.1), dbSNP rs189844584, ClinGen allele CA276747524.

ClinVar aggregate classification (germline): Likely benign (1 of 4 stars; one submission).

Allele frequency attached by ClinVar (database versions not stated): gnomAD exomes 0.00042; 1000 Genomes Project 30x 0.00281; 1000 Genomes Project 0.00319; gnomAD 0.00382 and 0.00419; TOPMed 0.00406.
gnomAD v4.1: 776 of 603,354 alleles (0.13%); highest among the groups gnomAD compares: African/African-American, 1.3%; 7 homozygotes.

Submission:

GeneDx
Classification: Likely benign. Last evaluated: 2018-06-14. Review status: criteria provided, single submitter. Criteria: GeneDx Variant Classification (06012015). Collection method: clinical testing. Allele origin: germline. Affected: yes.
Comment: This variant is considered likely benign or benign based on one or more of the following criteria: it is a conservative change, it occurs at a poorly conserved position in the protein, it is predicted to be benign by multiple in silico algorithms, and/or has population frequency not consistent with disease.